The following is an entry in ClinVar:

NM_207034.3(EDN3):c.688C>T (p.Arg230Cys)

Gene: EDN3 (endothelin 3; plus strand). Cytogenetic location: 20q13.32.
Variant type: single nucleotide variant.
Coding change: c.688C>T on transcript NM_207034.3 (MANE Select); coding-DNA position 688, C replaced by T.
Protein change: p.Arg230Cys; replaces arginine 230 with cysteine.
Molecular consequence: missense variant. On other transcripts: 3 prime UTR variant (3).
Genome position (GRCh38, 1-based): chr20:59,324,430, C>T. VCF-style: chr20-59324430-C-T. GRCh37 (hg19) VCF-style: chr20-57899485-C-T.
Other names: c.*95C>T (NM_001302455.2); c.*63C>T (NM_001302456.2, NM_207032.3); c.646C>T, p.Arg216Cys (NM_207033.3); short protein forms R230C, R216C.
Identifiers: ClinVar variation 339126 (VCV000339126.9), dbSNP rs372958987, ClinGen allele CA9930473.

ClinVar aggregate classification (germline): Uncertain significance. Review status: criteria provided, multiple submitters, no conflicts (2 of 4 stars). 4 submissions from 4 submitters: Uncertain significance (4). Last evaluated 2024-06-18.

Conditions:
Hirschsprung disease, susceptibility to, 4. Identifiers: Orphanet 388, MedGen C3150975, MONDO:0013384, OMIM 613712.
Waardenburg syndrome type 4B (WS4B). Also called: WAARDENBURG SYNDROME, TYPE 4B, WITH HIRSCHSPRUNG DISEASE. Identifiers: Orphanet 897, MedGen C2750457, MONDO:0013201, OMIM 613265.

Allele frequency attached by ClinVar (database versions not stated): TOPMed 0.00006; ESP Exome Variant Server 0.00008; gnomAD 0.00009.

Submissions (4):

GeneDx
Classification: Uncertain significance. Last evaluated: 2024-06-18. Review status: criteria provided, single submitter. Criteria: GeneDx Variant Classification Process June 2021. Collection method: clinical testing. Allele origin: germline. Affected: yes.
Comment: In silico analysis indicates that this missense variant does not alter protein structure/function; Has not been previously published as pathogenic or benign to our knowledge

Labcorp Genetics (formerly Invitae), Labcorp
Classification: Uncertain significance. Last evaluated: 2022-04-16. Review status: criteria provided, single submitter. Criteria: Invitae Variant Classification Sherloc (09022015). Collection method: clinical testing. Allele origin: germline.
Comment: This sequence change replaces arginine, which is basic and polar, with cysteine, which is neutral and slightly polar, at codon 230 of the EDN3 protein (p.Arg230Cys). This variant is present in population databases (rs372958987, gnomAD 0.01%). This variant has not been reported in the literature in individuals affected with EDN3-related conditions. ClinVar contains an entry for this variant (Variation ID: 339126). Algorithms developed to predict the effect of missense changes on protein structure and function output the following: SIFT: "Deleterious"; PolyPhen-2: "Benign"; Align-GVGD: "Class C0". The cysteine amino acid residue is found in multiple mammalian species, which suggests that this missense change does not adversely affect protein function. In summary, the available evidence is currently insufficient to determine the role of this variant in disease. Therefore, it has been classified as a Variant of Uncertain Significance.

Fulgent Genetics
Classification: Uncertain significance for Waardenburg syndrome type 4B; Hirschsprung disease, susceptibility to, 4. Last evaluated: 2021-07-21. Review status: criteria provided, single submitter. Criteria: ACMG Guidelines, 2015. Collection method: clinical testing. Allele origin: unknown.

Illumina Laboratory Services, Illumina
Classification: Uncertain significance for Hirschsprung disease, susceptibility to, 4. Last evaluated: 2018-01-12. Review status: criteria provided, single submitter. Criteria: ICSL Variant Classification Criteria 13 December 2019. Collection method: clinical testing. Allele origin: germline.